The following is an entry in ClinVar:

NM_006031.6(PCNT):c.4614A>G (p.Glu1538=)

Gene: PCNT (pericentrin; plus strand). Cytogenetic location: 21q22.3.
Variant type: single nucleotide variant.
Coding change: c.4614A>G on transcript NM_006031.6 (MANE Select); coding-DNA position 4614, A replaced by G.
Protein change: p.Glu1538=; no amino-acid change (glutamic acid 1538 retained).
Molecular consequence: synonymous variant.
Genome position (GRCh38, 1-based): chr21:46,399,619, A>G. VCF-style: chr21-46399619-A-G. GRCh37 (hg19) VCF-style: chr21-47819533-A-G.
Other names: c.4260A>G, p.Glu1420= (NM_001315529.2).
Identifiers: ClinVar variation 789143 (VCV000789143.11), dbSNP rs551574709, ClinGen allele CA322036870.

ClinVar aggregate classification (germline): Likely benign. Review status: criteria provided, single submitter (1 of 4 stars). 2 submissions from 2 submitters: Likely benign (1). 1 of the submissions does not count toward it. Last evaluated 2025-08-18.

Conditions:
PCNT-related disorder. Also called: PCNT-related condition.

Allele frequency attached by ClinVar (database versions not stated): gnomAD 0.00003; gnomAD exomes 0.00006; TOPMed 0.00008.
gnomAD v4.1: 28 of 1,613,744 alleles (0.0017%); highest among the groups gnomAD compares: Admixed American, 0.045%; no homozygotes.

Submissions (2):

Labcorp Genetics (formerly Invitae), Labcorp
Classification: Likely benign. Last evaluated: 2025-08-18. Review status: criteria provided, single submitter. Criteria: Invitae Variant Classification Sherloc (09022015). Collection method: clinical testing. Allele origin: germline.

PreventionGenetics, part of Exact Sciences
Classification: Likely benign for PCNT-related condition. Last evaluated: 2022-04-06. Review status: no assertion criteria provided. Collection method: clinical testing. Allele origin: germline. Not counted in ClinVar's aggregate classification.
Comment: This variant is classified as likely benign based on ACMG/AMP sequence variant interpretation guidelines (Richards et al. 2015 PMID: 25741868, with internal and published modifications).